The following is an entry in ClinVar:

ClinVar aggregate classification (germline): Pathogenic (1 of 4 stars; one submission).

Conditions:
Deafness-lymphedema-leukemia syndrome. Also called: Emberger syndrome; Lymphedema, primary, with myelodysplasia. Identifiers: Orphanet 3226, MedGen C3279664, MONDO:0013540, OMIM 614038.
GATA2 deficiency with susceptibility to MDS/AML. Identifiers: MedGen CN300066, MONDO:0042982.

Submission:

Molecular Pathology Research Laboratory, SA Pathology
Classification: Pathogenic for GATA2 deficiency with susceptibility to MDS/AML; Deafness-lymphedema-leukemia syndrome. Last evaluated: 2021-07-06. Review status: criteria provided, single submitter. Criteria: ACMG Guidelines, 2015. Collection method: curation. Allele origin: unknown. Inheritance: Autosomal dominant inheritance. Affected: yes. Observed: 1 variant allele.
Comment: PVS1, PS4_Supporting, PM2

Literature cited by the submitters: PubMed 31710708.

Single allele

Genes: DNAJB8 (DnaJ heat shock protein family (Hsp40) member B8; minus strand), EEFSEC (eukaryotic elongation factor, selenocysteine-tRNA specific; plus strand), GATA2 (GATA binding protein 2; minus strand), LINC01565 (long intergenic non-protein coding RNA 1565; minus strand), RAB7A (RAB7A, member RAS oncogene family; plus strand) and 1 more. Cytogenetic location: 3q21.3.
Variant type: Deletion.
Identifiers: ClinVar variation 1183986 (VCV001183986.1).